The following is an entry in ClinVar:

NM_001378454.1(ALMS1):c.2251G>A (p.Asp751Asn)

Gene: ALMS1 (ALMS1 centrosome and basal body associated protein; plus strand). Cytogenetic location: 2p13.1.
Variant type: single nucleotide variant.
Coding change: c.2251G>A on transcript NM_001378454.1 (MANE Select); coding-DNA position 2251, G replaced by A.
Protein change: p.Asp751Asn; replaces aspartic acid 751 with asparagine.
Molecular consequence: missense variant.
Genome position (GRCh38, 1-based): chr2:73,448,778, G>A. VCF-style: chr2-73448778-G-A. GRCh37 (hg19) VCF-style: chr2-73675905-G-A.
Other names: c.2254G>A, p.Asp752Asn (NM_015120.4); short protein forms D751N, D752N.
Identifiers: ClinVar variation 1788492 (VCV001788492.5), dbSNP rs1469421649, ClinGen allele CA347267384.

ClinVar aggregate classification (germline): Conflicting classifications of pathogenicity. Review status: criteria provided, conflicting classifications (1 of 4 stars). 2 submissions from 2 submitters: Uncertain significance (1); Likely benign (1). Last evaluated 2025-09-30.

Conditions:
Cardiovascular phenotype. Identifiers: MedGen CN230736.
Alstrom syndrome (ALMS). Identifiers: Orphanet 64, MedGen C0268425, MONDO:0008763, OMIM 203800.

Submissions (2):

Ambry Genetics
Classification: Likely benign for Cardiovascular phenotype. Last evaluated: 2025-09-30. Review status: criteria provided, single submitter. Criteria: Ambry Variant Classification Scheme 2023. Collection method: clinical testing. Allele origin: germline.

Labcorp Genetics (formerly Invitae), Labcorp
Classification: Uncertain significance for Alstrom syndrome. Last evaluated: 2022-06-25. Review status: criteria provided, single submitter. Criteria: Invitae Variant Classification Sherloc (09022015). Collection method: clinical testing. Allele origin: germline.
Comment: This sequence change replaces aspartic acid, which is acidic and polar, with asparagine, which is neutral and polar, at codon 752 of the ALMS1 protein (p.Asp752Asn). This variant is present in population databases (no rsID available, gnomAD no frequency). This variant has not been reported in the literature in individuals affected with ALMS1-related conditions. Experimental studies and prediction algorithms are not available or were not evaluated, and the functional significance of this variant is currently unknown. In summary, the available evidence is currently insufficient to determine the role of this variant in disease. Therefore, it has been classified as a Variant of Uncertain Significance.